The following is an entry in ClinVar:

NM_001040108.2(MLH3):c.2763G>T (p.Met921Ile)

Gene: MLH3 (mutL homolog 3; minus strand). Cytogenetic location: 14q24.3.
Variant type: single nucleotide variant.
Coding change: c.2763G>T on transcript NM_001040108.2 (MANE Select); coding-DNA position 2763, G replaced by T.
Protein change: p.Met921Ile; replaces methionine 921 with isoleucine.
Molecular consequence: missense variant.
Genome position (GRCh38, 1-based): chr14:75,046,893, C>A on the plus strand (G>T on the coding strand, the complement: MLH3 is on the minus strand). VCF-style: chr14-75046893-C-A. GRCh37 (hg19) VCF-style: chr14-75513596-C-A.
Other names: c.2763G>T, p.Met921Ile (NM_014381.3); short protein forms M921I.
Identifiers: ClinVar variation 1795718 (VCV001795718.2), dbSNP rs1184776172, ClinGen allele CA390438635.

ClinVar aggregate classification (germline): Uncertain significance (1 of 4 stars; one submission).

Submission:

Ambry Genetics
Classification: Uncertain significance. Last evaluated: 2021-12-22. Review status: criteria provided, single submitter. Criteria: Ambry Variant Classification Scheme 2023. Collection method: clinical testing. Allele origin: germline.
Comment: The p.M921I variant (also known as c.2763G>T), located in coding exon 1 of the MLH3 gene, results from a G to T substitution at nucleotide position 2763. The methionine at codon 921 is replaced by isoleucine, an amino acid with highly similar properties. This amino acid position is conserved. In addition, this alteration is predicted to be tolerated by in silico analysis. Since supporting evidence is limited at this time, the clinical significance of this alteration remains unclear.